The following is an entry in ClinVar:

ClinVar aggregate classification (germline): Pathogenic (1 of 4 stars; one submission).

Conditions:
Familial adenomatous polyposis 1 (FAP1). Also called: FAMILIAL ADENOMATOUS POLYPOSIS 1, ATTENUATED; POLYPOSIS, ADENOMATOUS INTESTINAL. Identifiers: MedGen C2713442, MONDO:0021056, OMIM 175100. Disease mechanism: loss of function.

Submission:

Labcorp Genetics (formerly Invitae), Labcorp
Classification: Pathogenic for Familial adenomatous polyposis 1. Last evaluated: 2024-11-24. Review status: criteria provided, single submitter. Criteria: Invitae Variant Classification Sherloc (09022015). Collection method: clinical testing. Allele origin: germline.
Comment: This sequence change creates a premature translational stop signal (p.Ser306Ilefs*31) in the APC gene. It is expected to result in an absent or disrupted protein product. Loss-of-function variants in APC are known to be pathogenic (PMID: 17963004, 20685668). This variant is not present in population databases (gnomAD no frequency). This variant has not been reported in the literature in individuals affected with APC-related conditions. For these reasons, this variant has been classified as Pathogenic.

Literature cited by the submitters: PubMed 17963004; PubMed 20685668.

NM_000038.6(APC):c.916_917insTA (p.Ser306fs)

Gene: APC (APC regulator of Wnt signaling pathway; plus strand). Cytogenetic location: 5q22.2.
Variant type: Insertion.
Coding change: c.916_917insTA on transcript NM_000038.6 (MANE Select); coding-DNA positions 916 to 917, TA inserted.
Protein change: p.Ser306fs; shifts the reading frame from serine 306.
Molecular consequence: frameshift variant. On other transcripts: non-coding transcript variant (2).
Genome position: GRCh38 VCF-style: chr5-112815575-A-AAT. GRCh37 (hg19) VCF-style: chr5-112151272-A-AAT.
Other names: c.916_917insTA, p.Ser306fs (NM_001127510.3, NM_001354895.2, NM_001354896.2 and 12 more transcripts); c.862_863insTA, p.Ser288fs (NM_001127511.3); c.946_947insTA, p.Ser316fs (NM_001354897.2, NM_001354902.2, NM_001407446.1); c.841_842insTA, p.Ser281fs (NM_001354898.2, NM_001354904.2, NM_001407451.1); c.832_833insTA, p.Ser278fs (NM_001354899.2, NM_001407452.1, NM_001407467.1 and 1 more transcripts); c.739_740insTA, p.Ser247fs (NM_001354900.2, NM_001354901.2, NM_001354905.2 and 1 more transcripts); c.67_68insTA, p.Ser23fs (NM_001354906.2, NM_001407470.1, NM_001407471.1 and 1 more transcripts); short protein forms S306fs, S316fs, S23fs, S278fs, S247fs, S281fs, S288fs.
Identifiers: ClinVar variation 3649122 (VCV003649122.2).